The following is an entry in ClinVar:

ClinVar aggregate classification (germline): Uncertain significance (1 of 4 stars; one submission).

Conditions:
Aortic valve disease 2 (AOVD2). Identifiers: MedGen C3542024, MONDO:0013902, OMIM 614823.

Submission:

Labcorp Genetics (formerly Invitae), Labcorp
Classification: Uncertain significance for Aortic valve disease 2. Last evaluated: 2023-01-26. Review status: criteria provided, single submitter. Criteria: Invitae Variant Classification Sherloc (09022015). Collection method: clinical testing. Allele origin: germline.
Comment: In summary, the available evidence is currently insufficient to determine the role of this variant in disease. Therefore, it has been classified as a Variant of Uncertain Significance. This variant has not been reported in the literature in individuals affected with SMAD6-related conditions. This variant is not present in population databases (gnomAD no frequency). This sequence change creates a premature translational stop signal (p.Gly155Argfs*148) in the SMAD6 gene. While this is not anticipated to result in nonsense mediated decay, it is expected to disrupt the last 342 amino acid(s) of the SMAD6 protein.

NM_005585.5(SMAD6):c.461dup (p.Gly155fs)

Gene: SMAD6 (SMAD family member 6; plus strand). Cytogenetic location: 15q22.31.
Variant type: Duplication.
Coding change: c.461dup on transcript NM_005585.5 (MANE Select); coding-DNA position 461, one base duplicated (G; older notation c.461dupG).
Protein change: p.Gly155fs; shifts the reading frame from glycine 155.
Molecular consequence: frameshift variant. On other transcripts: non-coding transcript variant (1).
Genome position (GRCh38, 1-based): chr15:66,703,719, G duplicated; the last of 3 consecutive G bases (chr15:66,703,717-66,703,719); duplicating any one gives the same sequence. VCF-style (leftmost placement, unchanged base first): chr15-66703716-C-CG. GRCh37 (hg19) VCF-style: chr15-66996054-C-CG.
Other names: short protein forms G155fs.
Identifiers: ClinVar variation 2831972 (VCV002831972.3), dbSNP rs1453901857, ClinGen allele CA714992638.